The following is an entry in ClinVar:

NM_000059.4(BRCA2):c.4584C>A (p.Ser1528Arg)

Gene: BRCA2 (BRCA2 DNA repair associated; plus strand). Cytogenetic location: 13q13.1.
Variant type: single nucleotide variant.
Coding change: c.4584C>A on transcript NM_000059.4 (MANE Select); coding-DNA position 4584, C replaced by A.
Protein change: p.Ser1528Arg; replaces serine 1528 with arginine.
Molecular consequence: missense variant.
Genome position (GRCh38, 1-based): chr13:32,338,939, C>A. VCF-style: chr13-32338939-C-A. GRCh37 (hg19) VCF-style: chr13-32913076-C-A.
Other names: short protein forms S1528R.
Identifiers: ClinVar variation 838382 (VCV000838382.4), dbSNP rs80359788, ClinGen allele CA387781912.

ClinVar aggregate classification (germline): Conflicting classifications of pathogenicity. Review status: criteria provided, conflicting classifications (1 of 4 stars). 3 submissions from 3 submitters: Uncertain significance (1); Likely benign (2). Last evaluated 2026-03-20.

Conditions:
Hereditary cancer-predisposing syndrome. Also called: Hereditary neoplastic syndrome; Tumor predisposition; Hereditary Cancer Syndrome; Neoplastic Syndromes, Hereditary. Identifiers: Orphanet 140162, MedGen C0027672, MeSH D009386, MONDO:0015356.
Hereditary breast ovarian cancer syndrome. Also called: BRCA1- and BRCA2-Associated Hereditary Breast and Ovarian Cancer; Hereditary breast and ovarian cancer; Hereditary breast and/or ovarian cancer syndrome; Hereditary breast and ovarian cancer syndrome (HBOC); Hereditary breast and ovarian cancer syndrome; Breast and ovarian cancer. Identifiers: Orphanet 145, MedGen C0677776, MeSH D061325, MONDO:0003582. Disease mechanism: loss of function.
Breast-ovarian cancer, familial, susceptibility to, 2 (BROVCA2). Also called: BRCA2 Hereditary Breast and Ovarian Cancer. Identifiers: Orphanet 145, MedGen C2675520, MONDO:0012933, OMIM 612555. Disease mechanism: loss of function.

Submissions (3):

Myriad Genetics, Inc.
Classification: Likely benign for Breast-ovarian cancer, familial, susceptibility to, 2. Last evaluated: 2026-03-20. Review status: criteria provided, single submitter. Criteria: Myriad Autosomal Dominant, Autosomal Recessive and X-Linked Classification Criteria (2023). Collection method: clinical testing. Allele origin: unknown.
Comment: This variant is considered likely benign. This variant is strongly associated with less severe personal and family histories of cancer, typical for individuals without pathogenic variants in this gene [PMID: 25085752].

University of Washington Department of Laboratory Medicine, University of Washington
Classification: Likely benign for Hereditary cancer-predisposing syndrome. Last evaluated: 2023-03-23. Review status: criteria provided, single submitter. Criteria: Dines et al. (Genet Med. 2020). Collection method: curation. Allele origin: germline.
Comment: Missense variant in a coldspot region where missense variants are very unlikely to be pathogenic (PMID:31911673).

BRCA2 exon 11 coldspot. Reclassification based on statistical prior probability.

Labcorp Genetics (formerly Invitae), Labcorp
Classification: Uncertain significance for Hereditary breast and ovarian cancer syndrome. Last evaluated: 2019-05-04. Review status: criteria provided, single submitter. Criteria: Invitae Variant Classification Sherloc (09022015). Collection method: clinical testing. Allele origin: germline.
Comment: This sequence change replaces serine with arginine at codon 1528 of the BRCA2 protein (p.Ser1528Arg). The serine residue is highly conserved and there is a moderate physicochemical difference between serine and arginine. This variant is not present in population databases (ExAC no frequency). This variant has been observed in a family affected with breast and/or ovarian cancer (PMID: 24010542). Algorithms developed to predict the effect of missense changes on protein structure and function (SIFT, PolyPhen-2, Align-GVGD) all suggest that this variant is likely to be disruptive, but these predictions have not been confirmed by published functional studies and their clinical significance is uncertain. In summary, the available evidence is currently insufficient to determine the role of this variant in disease. Therefore, it has been classified as a Variant of Uncertain Significance.

Literature cited by the submitters: PubMed 25085752 (cited by Myriad Genetics, Inc.); PubMed 24010542 (cited by Labcorp Genetics (formerly Invitae), Labcorp).